The following is an entry in ClinVar:

ClinVar aggregate classification (germline): Pathogenic (1 of 4 stars; one submission).

Conditions:
Glycogen storage disease, type II (IOPD). Also called: CARDIOMEGALIA GLYCOGENICA DIFFUSA; GLYCOGENOSIS, GENERALIZED, CARDIAC FORM; GSD II; Glycogen storage disease type 2; Acid maltase deficiency disease; Aglucosidase alfa. Identifiers: Orphanet 365, MedGen C0017921, MONDO:0009290, OMIM 232300.

Submission:

Myriad Genetics, Inc.
Classification: Pathogenic for Glycogen storage disease, type II. Last evaluated: 2023-09-27. Review status: criteria provided, single submitter. Criteria: Myriad Autosomal Dominant, Autosomal Recessive and X-Linked Classification Criteria (2023). Collection method: clinical testing. Allele origin: unknown.
Comment: NM_000152.3(GAA):c.1386dupG(R463Afs*43) is expected to be pathogenic in the context of Pompe disease. This variant is predicted to lead to an abnormal or absent protein product due to the creation of a premature termination codon in GAA, a gene where loss-of-function variants are known to be pathogenic. Please note: this variant was assessed in the context of healthy population screening.

NM_000152.5(GAA):c.1386dup (p.Arg463fs)

Gene: GAA (alpha glucosidase; plus strand). Cytogenetic location: 17q25.3.
Variant type: Duplication.
Coding change: c.1386dup on transcript NM_000152.5 (MANE Select); coding-DNA position 1386, one base duplicated (G; older notation c.1386dupG).
Protein change: p.Arg463fs; shifts the reading frame from arginine 463.
Molecular consequence: frameshift variant.
Genome position (GRCh38, 1-based): chr17:80,110,004, G duplicated. VCF-style (leftmost placement, unchanged base first): chr17-80110003-T-TG. GRCh37 (hg19) VCF-style: chr17-78083802-T-TG.
Other names: c.1386dup, p.Arg463fs (NM_001079803.3, NM_001079804.3, NM_001406741.1 and 1 more transcripts); short protein forms R463fs.
Identifiers: ClinVar variation 5012265 (VCV005012265.1).